The following is an entry in ClinVar:

ClinVar aggregate classification (germline): Benign/Likely benign. Review status: criteria provided, multiple submitters, no conflicts (2 of 4 stars). 5 submissions from 5 submitters: Benign (2); Likely benign (3). Last evaluated 2025-07-14.

Conditions:
Hereditary cancer-predisposing syndrome. Also called: Tumor predisposition; Hereditary neoplastic syndrome; Neoplastic Syndromes, Hereditary; Hereditary Cancer Syndrome. Identifiers: Orphanet 140162, MedGen C0027672, MeSH D009386, MONDO:0015356.
Tuberous sclerosis 2 (TSC2). Identifiers: Orphanet 805, MedGen C1860707, MONDO:0013199, OMIM 613254.

Allele frequency attached by ClinVar (database versions not stated): gnomAD exomes below 0.00001.
gnomAD v4.1: 6 of 1,612,674 alleles (0.00037%); highest among the groups gnomAD compares: Middle Eastern, 0.017%; 1 homozygote.

Submissions (5):

Labcorp Genetics (formerly Invitae), Labcorp
Classification: Likely benign for Tuberous sclerosis 2. Last evaluated: 2025-07-14. Review status: criteria provided, single submitter. Criteria: Invitae Variant Classification Sherloc (09022015). Collection method: clinical testing. Allele origin: germline.

Myriad Genetics, Inc.
Classification: Benign for Tuberous sclerosis 2. Last evaluated: 2025-06-04. Review status: criteria provided, single submitter. Criteria: Myriad Autosomal Dominant, Autosomal Recessive and X-Linked Classification Criteria (2023). Collection method: clinical testing. Allele origin: unknown.
Comment: This variant is considered benign. This variant is a silent/synonymous amino acid change and it is not expected to impact splicing.

CeGaT Center for Human Genetics Tuebingen
Classification: Likely benign. Last evaluated: 2022-04-01. Review status: criteria provided, single submitter. Criteria: CeGaT Center For Human Genetics Tuebingen Variant Classification Criteria Version 2. Collection method: clinical testing. Allele origin: germline. Affected: yes. Observed: 1 variant allele.
Comment: TSC2: BP4, BP7

Genome-Nilou Lab
Classification: Benign for Tuberous sclerosis 2. Last evaluated: 2021-11-07. Review status: criteria provided, single submitter. Criteria: ACMG Guidelines, 2015. Collection method: clinical testing. Allele origin: germline. Affected: no.

Ambry Genetics
Classification: Likely benign for Hereditary cancer-predisposing syndrome. Last evaluated: 2019-08-19. Review status: criteria provided, single submitter. Criteria: Ambry Variant Classification Scheme 2023. Collection method: clinical testing. Allele origin: germline.

NM_000548.5(TSC2):c.4647T>C (p.Tyr1549=)

Gene: TSC2 (TSC complex subunit 2; plus strand). Cytogenetic location: 16p13.3.
Variant type: single nucleotide variant.
Coding change: c.4647T>C on transcript NM_000548.5 (MANE Select); coding-DNA position 4647, T replaced by C.
Protein change: p.Tyr1549=; no amino-acid change (tyrosine 1549 retained).
Molecular consequence: synonymous variant.
Genome position (GRCh38, 1-based): chr16:2,085,307, T>C. VCF-style: chr16-2085307-T-C. GRCh37 (hg19) VCF-style: chr16-2135308-T-C.
Other names: c.4446T>C, p.Tyr1482= (NM_001077183.3); c.4578T>C, p.Tyr1526= (NM_001114382.3); c.4338T>C, p.Tyr1446= (NM_001318827.2); c.4302T>C, p.Tyr1434= (NM_001318829.2); c.3915T>C, p.Tyr1305= (NM_001318831.2); c.4479T>C, p.Tyr1493= (NM_001318832.2); c.4449T>C, p.Tyr1483= (NM_001363528.2); c.4515T>C, p.Tyr1505= (NM_001370404.1); and 1 more.
Identifiers: ClinVar variation 825068 (VCV000825068.40), dbSNP rs397515028, ClinGen allele CA492958664.
Genomic context (GRCh38, chr16:2,085,307, plus strand): 5'-GTCGGTGCAGCTCCTCGACCAGATCCCATCATACGACACCCACAAGATCGCCGTCCTGTA[T>C]GTTGGAGAAGGCCAGGTGAGGCTGCGGGGCCGGCCTAGGTGCCTGGACAGGGCCAGCTGG-3'
Protein context (NP_000539.2, residues 1539-1559): SYDTHKIAVL[Tyr1549=]VGEGQSNSEL